The following is an entry in ClinVar:

ClinVar aggregate classification (germline): Conflicting classifications of pathogenicity. Review status: criteria provided, conflicting classifications (1 of 4 stars). 3 submissions from 3 submitters: Uncertain significance (1); Likely benign (2). Last evaluated 2026-06-02.

Conditions:
Familial melanoma. Also called: Hereditary melanoma; Hereditary cutaneous melanoma. Identifiers: Orphanet 618, MedGen C1512419, MONDO:0018961.
Hereditary cancer-predisposing syndrome. Also called: Neoplastic Syndromes, Hereditary; Tumor predisposition; Hereditary Cancer Syndrome; Hereditary neoplastic syndrome. Identifiers: Orphanet 140162, MedGen C0027672, MeSH D009386, MONDO:0015356.

Allele frequency attached by ClinVar (database versions not stated): gnomAD exomes below 0.00001; ExAC 0.00001.
gnomAD v4.1: 1 of 1,608,576 alleles (0.000062%); highest among the groups gnomAD compares: South Asian, 0.0011%; no homozygotes.

Submissions (3):

Ambry Genetics
Classification: Uncertain significance for Hereditary cancer-predisposing syndrome. Last evaluated: 2026-06-02. Review status: criteria provided, single submitter. Criteria: Ambry Variant Classification Scheme 2023. Collection method: clinical testing. Allele origin: germline.
Comment: The c.349C>T variant (also known as p.L117L), located in coding exon 2 of the CDKN2A gene, results from a C to T substitution at nucleotide position 349 and does not change the amino acid at position 117 of the p16 isoform. Of note, this variant is also known as p.P131L (c.392C>T) in the p14(ARF) isoform and results from a C to T substitution at amino acid position 131. The evidence supporting a relationship between p14(ARF) and melanoma-pancreatic cancer syndrome is limited; therefore, the association of this variant with this gene-disease relationship is unknown. However, the association of this variant in the p16 isoform with melanoma-pancreatic cancer syndrome is unlikely.

Labcorp Genetics (formerly Invitae), Labcorp
Classification: Likely benign for Familial melanoma. Last evaluated: 2025-05-28. Review status: criteria provided, single submitter. Criteria: Invitae Variant Classification Sherloc (09022015). Collection method: clinical testing. Allele origin: germline.

Color Diagnostics, LLC DBA Color Health
Classification: Likely benign for Hereditary cancer-predisposing syndrome. Last evaluated: 2020-03-02. Review status: criteria provided, single submitter. Criteria: ACMG Guidelines, 2015. Collection method: clinical testing. Allele origin: germline.

NM_000077.5(CDKN2A):c.349C>T (p.Leu117=)

Gene: CDKN2A (cyclin dependent kinase inhibitor 2A; minus strand). Cytogenetic location: 9p21.3.
Variant type: single nucleotide variant.
Coding change: c.349C>T on transcript NM_000077.5; coding-DNA position 349, C replaced by T.
Protein change: p.Leu117=; no amino-acid change (leucine 117 retained).
Molecular consequence: synonymous variant (on NM_000077.6). On other transcripts: missense variant (1), 3 prime UTR variant (1).
Genome position (GRCh38, 1-based): chr9:21,971,010, G>A on the plus strand (C>T on the coding strand, the complement: CDKN2A is on the minus strand). VCF-style: chr9-21971010-G-A. GRCh37 (hg19) VCF-style: chr9-21971009-G-A.
Other names: c.349C>T, p.Leu117= (NM_000077.6, NM_001195132.2); c.196C>T, p.Leu66= (NM_001363763.2); c.392C>T, p.Pro131Leu (NM_058195.4); c.*272C>T (NM_058197.5); short protein forms P131L.
Identifiers: ClinVar variation 823850 (VCV000823850.11), dbSNP rs767692456, ClinGen allele CA5012175.